The following is an entry in ClinVar:

ClinVar aggregate classification (germline): Uncertain significance (1 of 4 stars; one submission).

Conditions:
Arrhythmogenic cardiomyopathy with wooly hair and keratoderma. Also called: Dilated cardiomyopathy with woolly hair and keratoderma; Arrhythmogenic cardiomyopathy with woolly hair and keratoderma; PALMOPLANTAR KERATODERMA WITH LEFT VENTRICULAR CARDIOMYOPATHY AND WOOLLY HAIR; Carvajal syndrome. Identifiers: Orphanet 65282, MedGen C1854063, MONDO:0011581, OMIM 605676.
Arrhythmogenic right ventricular dysplasia 8 (ARVD8). Also called: Arrhythmogenic Right Ventricular Dysplasia/Cardiomyopathy 8; ARRHYTHMOGENIC RIGHT VENTRICULAR DYSPLASIA, FAMILIAL, 8; ARRHYTHMOGENIC RIGHT VENTRICULAR CARDIOMYOPATHY 8. Identifiers: MedGen C1843896, MONDO:0011831, OMIM 607450.

Submission:

Labcorp Genetics (formerly Invitae), Labcorp
Classification: Uncertain significance for Arrhythmogenic cardiomyopathy with wooly hair and keratoderma; Arrhythmogenic right ventricular dysplasia 8. Last evaluated: 2021-05-07. Review status: criteria provided, single submitter. Criteria: Invitae Variant Classification Sherloc (09022015). Collection method: clinical testing. Allele origin: germline.
Comment: This sequence change replaces asparagine with lysine at codon 1761 of the DSP protein (p.Asn1761Lys). The asparagine residue is moderately conserved and there is a moderate physicochemical difference between asparagine and lysine. This variant is not present in population databases (ExAC no frequency). This variant has not been reported in the literature in individuals with DSP-related conditions. Algorithms developed to predict the effect of missense changes on protein structure and function (SIFT, PolyPhen-2, Align-GVGD) all suggest that this variant is likely to be tolerated, but these predictions have not been confirmed by published functional studies and their clinical significance is uncertain. In summary, the available evidence is currently insufficient to determine the role of this variant in disease. Therefore, it has been classified as a Variant of Uncertain Significance.

NM_004415.4(DSP):c.5283C>A (p.Asn1761Lys)

Gene: DSP (desmoplakin; plus strand). Cytogenetic location: 6p24.3.
Variant type: single nucleotide variant.
Coding change: c.5283C>A on transcript NM_004415.4 (MANE Select); coding-DNA position 5283, C replaced by A.
Protein change: p.Asn1761Lys; replaces asparagine 1761 with lysine.
Molecular consequence: missense variant. On other transcripts: intron variant (2).
Genome position (GRCh38, 1-based): chr6:7,581,473, C>A. VCF-style: chr6-7581473-C-A. GRCh37 (hg19) VCF-style: chr6-7581706-C-A.
Other names: c.4051-1169C>A (NM_001319034.2); c.3583-1169C>A (NM_001008844.3); short protein forms N1761K.
Identifiers: ClinVar variation 1051708 (VCV001051708.12), dbSNP rs763355815, ClinGen allele CA362688260.